The following is an entry in ClinVar:

NM_001848.3(COL6A1):c.849C>A (p.Ala283=)

Gene: COL6A1 (collagen type VI alpha 1 chain; plus strand). Cytogenetic location: 21q22.3.
Variant type: single nucleotide variant.
Coding change: c.849C>A on transcript NM_001848.3 (MANE Select); coding-DNA position 849, C replaced by A.
Protein change: p.Ala283=; no amino-acid change (alanine 283 retained).
Molecular consequence: synonymous variant.
Genome position (GRCh38, 1-based): chr21:45,989,128, C>A. VCF-style: chr21-45989128-C-A. GRCh37 (hg19) VCF-style: chr21-47409042-C-A.
Identifiers: ClinVar variation 4085200 (VCV004085200.8).

ClinVar aggregate classification (germline): Likely benign (1 of 4 stars; one submission).

Submission:

CeGaT Center for Human Genetics Tuebingen
Classification: Likely benign. Last evaluated: 2025-11-01. Review status: criteria provided, single submitter. Criteria: CeGaT Center For Human Genetics Tuebingen Variant Classification Criteria Version 2. Collection method: clinical testing. Allele origin: germline. Affected: yes. Observed: 3 variant alleles.
Comment: COL6A1: PM2:Supporting, BP4, BP7